The following is an entry in ClinVar:

ClinVar aggregate classification (germline): Uncertain significance (1 of 4 stars; one submission).

Submission:

GeneDx
Classification: Uncertain significance. Last evaluated: 2024-03-27. Review status: criteria provided, single submitter. Criteria: GeneDx Variant Classification Process June 2021. Collection method: clinical testing. Allele origin: germline. Affected: yes.
Comment: Not observed at significant frequency in large population cohorts (gnomAD); In silico analysis supports that this missense variant has a deleterious effect on protein structure/function; Has not been previously published as pathogenic or benign to our knowledge

NM_006445.4(PRPF8):c.2225A>G (p.Tyr742Cys)

Gene: PRPF8 (pre-mRNA processing factor 8; minus strand). Cytogenetic location: 17p13.3.
Variant type: single nucleotide variant.
Coding change: c.2225A>G on transcript NM_006445.4 (MANE Select); coding-DNA position 2225, A replaced by G.
Protein change: p.Tyr742Cys; replaces tyrosine 742 with cysteine.
Molecular consequence: missense variant.
Genome position (GRCh38, 1-based): chr17:1,676,668, T>C on the plus strand (A>G on the coding strand, the complement: PRPF8 is on the minus strand). VCF-style: chr17-1676668-T-C. GRCh37 (hg19) VCF-style: chr17-1579962-T-C.
Other names: short protein forms Y742C.
Identifiers: ClinVar variation 3371177 (VCV003371177.1).